The following is an entry in ClinVar:

NM_020822.3(KCNT1):c.1424_1485dup (p.Asn496delinsProGlyProTer)

Gene: KCNT1 (potassium sodium-activated channel subfamily T member 1; plus strand). Cytogenetic location: 9q34.3.
Variant type: Duplication.
Coding change: c.1424_1485dup on transcript NM_020822.3 (MANE Select); coding-DNA positions 1424 to 1485, 62 bases duplicated.
Protein change: p.Asn496delinsProGlyProTer.
Molecular consequence: nonsense.
Genome position (GRCh38, 1-based): chr9:135,768,851-135,768,912, 62 bases duplicated. GRCh37 (hg19): chr9:138,660,697-138,660,758.
Other names: c.1289_1350dup, p.Asn451delinsProGlyProTer (NM_001272003.2).
Identifiers: ClinVar variation 1338769 (VCV001338769.3), dbSNP rs2131497737, ClinGen allele CA2573053139.

ClinVar aggregate classification (germline): Pathogenic/Likely pathogenic. Review status: criteria provided, single submitter (1 of 4 stars). 2 submissions from 1 submitter: Pathogenic (1); Likely pathogenic (1). Last evaluated 2022-01-30.

Conditions:
Developmental and epileptic encephalopathy, 14 (DEE14). Also called: Early infantile epileptic encephalopathy 14. Identifiers: Orphanet 293181, MedGen C3554195, MONDO:0013989, OMIM 614959.
KCNT1-related channelopathy.

Submissions (2):

Laboratory of Medical Genetics, National & Kapodistrian University of Athens
Classification: Pathogenic for KCNT1-related channelopathy. Last evaluated: 2022-01-30. Review status: criteria provided, single submitter. Criteria: ACMG Guidelines, 2015. Collection method: clinical testing. Allele origin: paternal. Inheritance: Autosomal dominant inheritance. Affected: yes. Observed: 1 heterozygote.

Laboratory of Medical Genetics, National & Kapodistrian University of Athens
Classification: Likely pathogenic for Developmental and epileptic encephalopathy, 14. Last evaluated: 2021-10-15. Review status: criteria provided, single submitter. Criteria: ACMG Guidelines, 2015. Collection method: clinical testing. Allele origin: paternal. Affected: yes.
Comment: PVS1, PM2